The following is an entry in ClinVar:

ClinVar aggregate classification (germline): Uncertain significance (1 of 4 stars; one submission).

Conditions:
Inborn genetic diseases. Identifiers: MedGen C0950123, MeSH D030342.

gnomAD v4.1: 1 of 1,613,488 alleles (0.000062%); highest among the groups gnomAD compares: Admixed American, 0.0017%; no homozygotes.

Submission:

Ambry Genetics
Classification: Uncertain significance for Inborn genetic diseases. Last evaluated: 2026-07-13. Review status: criteria provided, single submitter. Criteria: Ambry Variant Classification Scheme 2023. Collection method: clinical testing. Allele origin: germline.
Comment: The p.A817T variant (also known as c.2449G>A), located in coding exon 1 of the SAMD9L gene, results from a G to A substitution at nucleotide position 2449. The alanine at codon 817 is replaced by threonine, an amino acid with similar properties. This amino acid position is conserved. In addition, this alteration is predicted to be tolerated by in silico analysis. Based on the available evidence, the clinical significance of this variant remains unclear.

NM_152703.5(SAMD9L):c.2449G>A (p.Ala817Thr)

Gene: SAMD9L (sterile alpha motif domain containing 9 like; minus strand). Cytogenetic location: 7q21.2.
Variant type: single nucleotide variant.
Coding change: c.2449G>A on transcript NM_152703.5 (MANE Select); coding-DNA position 2449, G replaced by A.
Protein change: p.Ala817Thr; replaces alanine 817 with threonine.
Molecular consequence: missense variant.
Genome position (GRCh38, 1-based): chr7:93,133,523, C>T on the plus strand (G>A on the coding strand, the complement: SAMD9L is on the minus strand). VCF-style: chr7-93133523-C-T. GRCh37 (hg19) VCF-style: chr7-92762836-C-T.
Other names: c.2449G>A, p.Ala817Thr (NM_001350085.2, NM_001303496.3, NM_001303497.3 and 5 more transcripts); short protein forms A817T.
Identifiers: ClinVar variation 5028890 (VCV005028890.1).